The following is an entry in ClinVar:

ClinVar aggregate classification (germline): Uncertain significance (1 of 4 stars; one submission).

Conditions:
Joubert syndrome. Also called: CEREBELLOPARENCHYMAL DISORDER IV; JOUBERT-BOLTSHAUSER SYNDROME; Familial aplasia of the vermis. Identifiers: Orphanet 475, MedGen C5979921, MONDO:0018772.

Allele frequency attached by ClinVar (database versions not stated): gnomAD exomes below 0.00001; TOPMed below 0.00001.

Submission:

Labcorp Genetics (formerly Invitae), Labcorp
Classification: Uncertain significance for Joubert syndrome. Last evaluated: 2022-01-07. Review status: criteria provided, single submitter. Criteria: Invitae Variant Classification Sherloc (09022015). Collection method: clinical testing. Allele origin: germline.
Comment: In summary, the available evidence is currently insufficient to determine the role of this variant in disease. Therefore, it has been classified as a Variant of Uncertain Significance. Variants that disrupt the consensus splice site are a relatively common cause of aberrant splicing (PMID: 17576681, 9536098). Algorithms developed to predict the effect of sequence changes on RNA splicing suggest that this variant may disrupt the consensus splice site. This variant has not been reported in the literature in individuals affected with AHI1-related conditions. This variant is not present in population databases (gnomAD no frequency). This sequence change falls in intron 4 of the AHI1 gene. It does not directly change the encoded amino acid sequence of the AHI1 protein. It affects a nucleotide within the consensus splice site.

Literature cited by the submitters: PubMed 17576681; PubMed 9536098.

NM_001134831.2(AHI1):c.135+4A>G

Gene: AHI1 (Abelson helper integration site 1; minus strand). Cytogenetic location: 6q23.3.
Variant type: single nucleotide variant.
Coding change: c.135+4A>G on transcript NM_001134831.2 (MANE Select); 4 bases into the intron after coding-DNA position 135, A replaced by G.
Molecular consequence: intron variant.
Genome position (GRCh38, 1-based): chr6:135,490,619, T>C on the plus strand (A>G on the coding strand, the complement: AHI1 is on the minus strand). VCF-style: chr6-135490619-T-C. GRCh37 (hg19) VCF-style: chr6-135811757-T-C.
Other names: c.135+4A>G (NM_001134830.2, NM_001350503.2, NM_017651.5 and 2 more transcripts).
Identifiers: ClinVar variation 2064063 (VCV002064063.4), dbSNP rs1795121435, ClinGen allele CA365740708.
Genomic context (GRCh38, chr6:135,490,619, plus strand): 5'-TGCAGCCATATCTGCATTTTATGCGCATATGTAAATCACTATTACCCAATGATCATTTAC[T>C]TACTGAGATGTTTTCTTCAGACCTGACAAGTTTTTTCTTCAGTTTTTTCTTTTCACGCAT-3'